The following is an entry in ClinVar:

NM_181705.4(LYRM7):c.100A>G (p.Ile34Val)

Gene: LYRM7 (LYR motif containing 7; plus strand). Cytogenetic location: 5q23.3.
Variant type: single nucleotide variant.
Coding change: c.100A>G on transcript NM_181705.4 (MANE Select); coding-DNA position 100, A replaced by G.
Protein change: p.Ile34Val; replaces isoleucine 34 with valine.
Molecular consequence: missense variant.
Genome position (GRCh38, 1-based): chr5:131,182,237, A>G. VCF-style: chr5-131182237-A-G. GRCh37 (hg19) VCF-style: chr5-130517930-A-G.
Other names: c.100A>G, p.Ile34Val (NM_001293735.2); short protein forms I34V.
Identifiers: ClinVar variation 916481 (VCV000916481.46), dbSNP rs200336982, ClinGen allele CA360839460.

ClinVar aggregate classification (germline): Uncertain significance. Review status: criteria provided, multiple submitters, no conflicts (2 of 4 stars). 2 submissions from 2 submitters: Uncertain significance (2). Last evaluated 2024-09-09.

gnomAD v4.1: 5 of 1,432,364 alleles (0.00035%); highest among the groups gnomAD compares: Non-Finnish European, 0.00038%; no homozygotes.

Submissions (2):

Labcorp Genetics (formerly Invitae), Labcorp
Classification: Uncertain significance. Last evaluated: 2024-09-09. Review status: criteria provided, single submitter. Criteria: Invitae Variant Classification Sherloc (09022015). Collection method: clinical testing. Allele origin: germline.
Comment: This sequence change replaces isoleucine, which is neutral and non-polar, with valine, which is neutral and non-polar, at codon 34 of the LYRM7 protein (p.Ile34Val). The frequency data for this variant in the population databases is considered unreliable, as metrics indicate poor data quality at this position in the gnomAD database. This variant has not been reported in the literature in individuals affected with LYRM7-related conditions. ClinVar contains an entry for this variant (Variation ID: 916481). An algorithm developed to predict the effect of missense changes on protein structure and function outputs the following: PolyPhen-2: "Benign". The valine amino acid residue is found in multiple mammalian species, which suggests that this missense change does not adversely affect protein function. In summary, the available evidence is currently insufficient to determine the role of this variant in disease. Therefore, it has been classified as a Variant of Uncertain Significance.

CeGaT Center for Human Genetics Tuebingen
Classification: Uncertain significance. Last evaluated: 2020-03-01. Review status: criteria provided, single submitter. Criteria: CeGaT Center For Human Genetics Tuebingen Variant Classification Criteria Version 2. Collection method: clinical testing. Allele origin: germline. Affected: yes. Observed: 1 variant allele.